The following is an entry in ClinVar:

NM_002691.4(POLD1):c.1044G>C (p.Glu348Asp)

Gene: POLD1 (DNA polymerase delta 1, catalytic subunit; plus strand). Cytogenetic location: 19q13.33.
Variant type: single nucleotide variant.
Coding change: c.1044G>C on transcript NM_002691.4 (MANE Select); coding-DNA position 1044, G replaced by C.
Protein change: p.Glu348Asp; replaces glutamic acid 348 with aspartic acid.
Molecular consequence: missense variant. On other transcripts: non-coding transcript variant (1).
Genome position (GRCh38, 1-based): chr19:50,403,126, G>C. VCF-style: chr19-50403126-G-C. GRCh37 (hg19) VCF-style: chr19-50906383-G-C.
Other names: c.1044G>C, p.Glu348Asp (NM_001256849.1, NM_001308632.1); short protein forms E348D.
Identifiers: ClinVar variation 1445298 (VCV001445298.8), dbSNP rs867385484, ClinGen allele CA406978127.

ClinVar aggregate classification (germline): Uncertain significance. Review status: criteria provided, multiple submitters, no conflicts (2 of 4 stars). 2 submissions from 2 submitters: Uncertain significance (2). Last evaluated 2022-02-21.

Conditions:
POLD1-related polyposis and colorectal cancer syndrome (CRCS10). Also called: Colorectal cancer 10; COLORECTAL CANCER, SUSCEPTIBILITY TO, ON CHROMOSOME 19q; Colorectal cancer, susceptibility to, 10. Identifiers: Orphanet 220460, MedGen C2675481, MONDO:0012953, OMIM 612591.
Hereditary cancer-predisposing syndrome. Also called: Neoplastic Syndromes, Hereditary; Tumor predisposition; Hereditary Cancer Syndrome; Hereditary neoplastic syndrome. Identifiers: Orphanet 140162, MedGen C0027672, MeSH D009386, MONDO:0015356.

Submissions (2):

Labcorp Genetics (formerly Invitae), Labcorp
Classification: Uncertain significance for POLD1-related polyposis and colorectal cancer syndrome. Last evaluated: 2022-02-21. Review status: criteria provided, single submitter. Criteria: Invitae Variant Classification Sherloc (09022015). Collection method: clinical testing. Allele origin: germline.
Comment: This sequence change replaces glutamic acid, which is acidic and polar, with aspartic acid, which is acidic and polar, at codon 348 of the POLD1 protein (p.Glu348Asp). This variant is not present in population databases (gnomAD no frequency). This variant has not been reported in the literature in individuals affected with POLD1-related conditions. Algorithms developed to predict the effect of missense changes on protein structure and function output the following: SIFT: "Tolerated"; PolyPhen-2: "Benign"; Align-GVGD: "Class C0". The aspartic acid amino acid residue is found in multiple mammalian species, which suggests that this missense change does not adversely affect protein function. In summary, the available evidence is currently insufficient to determine the role of this variant in disease. Therefore, it has been classified as a Variant of Uncertain Significance.

Ambry Genetics
Classification: Uncertain significance for Hereditary cancer-predisposing syndrome. Last evaluated: 2015-12-24. Review status: criteria provided, single submitter. Criteria: Ambry Variant Classification Scheme 2023. Collection method: clinical testing. Allele origin: germline.
Comment: The p.E348D variant (also known as c.1044G>C), located in coding exon 8 of the POLD1 gene, results from a G to C substitution at nucleotide position 1044. The glutamic acid at codon 348 is replaced by aspartic acid, an amino acid with highly similar properties. This variant was not reported in population based cohorts in the following databases: Database of Single Nucleotide Polymorphisms (dbSNP), NHLBI Exome Sequencing Project (ESP), and 1000 Genomes Project. In the ESP, this variant was not observed in 6444 samples (12888 alleles) with coverage at this position. To date, this alteration has been detected with an allele frequency of approximately 0.004% (greater than 25000 alleles tested) in our clinical cohort. Based on protein sequence alignment, this amino acid position is well conserved in available vertebrate species. In addition, this alteration is predicted to be tolerated by in silico analysis. Since supporting evidence is limited at this time, the clinical significance of p.E348D remains unclear.